The following is an entry in ClinVar:

ClinVar aggregate classification (germline): Uncertain significance. Review status: criteria provided, multiple submitters, no conflicts (2 of 4 stars). 5 submissions from 5 submitters: Uncertain significance (5). Last evaluated 2026-04-17.

Conditions:
Premature ovarian failure 1 (POF1). Also called: HYPERGONADOTROPIC OVARIAN FAILURE, X-LINKED; PREMATURE OVARIAN FAILURE, X-LINKED; Fragile x premature ovarian failure; FMR1-Related Primary Ovarian Insufficiency; Primary ovarian insufficiency, fragile X-associated; FMR1 Primary Ovarian Insufficiency (FXPOI). Identifiers: Orphanet 642691, MedGen C4552079, MONDO:0010706, OMIM 311360.
Fragile X-associated tremor/ataxia syndrome. Also called: Fragile X-Associated Tremor/Ataxia Syndrome (FXTAS). Identifiers: Orphanet 93256, MedGen C1839780, MONDO:0010382, OMIM 300623.
Fragile X syndrome. Also called: MARKER X SYNDROME; MARTIN-BELL SYNDROME; MENTAL RETARDATION, X-LINKED, ASSOCIATED WITH marXq28; X-LINKED MENTAL RETARDATION AND MACROORCHIDISM; Fragile X syndrome, type A; Fragile X Syndrome (FXS). Identifiers: Orphanet 449291, Orphanet 908, MedGen C0016667, MONDO:0010383, OMIM 300624. Disease mechanism: loss of function.
Developmental delay. Also called: Delayed development. Identifiers: MedGen C0424605.
Autism (AUTS). Also called: Autistic disorder; Autistic disorder of childhood onset. Identifiers: MedGen C0004352, MeSH D001321, MONDO:0005260, OMIM 209850, HP:0000717.
Seizure. Also called: Seizures. Identifiers: MedGen C0036572, HP:0001250.
Cerebral palsy. Identifiers: MedGen C0007789, MONDO:0006497, HP:0100021.

Allele frequency attached by ClinVar (database versions not stated): ESP Exome Variant Server 0.00009; ExAC 0.00010; gnomAD exomes 0.00010 and 0.00025; gnomAD 0.00016 and 0.00017; TOPMed 0.00022.
gnomAD v4.1: 288 of 1,206,917 alleles (0.024%); highest among the groups gnomAD compares: Admixed American, 0.033%; no homozygotes.

Submissions (5):

Clinical Genetics Laboratory, Skane University Hospital Lund
Classification: Uncertain significance for Developmental delay; Seizure; Autism; Cerebral palsy. Last evaluated: 2026-04-17. Review status: criteria provided, single submitter. Criteria: ACMG Guidelines, 2015. Collection method: clinical testing. Allele origin: germline. Affected: yes.
Comment: ACMG criteria used: PS3, BS2

Mayo Clinic Laboratories, Mayo Clinic
Classification: Uncertain significance. Last evaluated: 2025-10-16. Review status: criteria provided, single submitter. Criteria: ACMG Guidelines, 2015. Collection method: clinical testing. Allele origin: germline. Observed: 1 variant allele.
Comment: BS2, BP4, PS3_moderate

GeneDx
Classification: Uncertain significance. Last evaluated: 2024-07-30. Review status: criteria provided, single submitter. Criteria: GeneDx Variant Classification Process June 2021. Collection method: clinical testing. Allele origin: germline. Affected: yes.
Comment: Observed in several unrelated patients in published literature with variable features including developmental delay, intellectual disability, seizures, gait abnormality, and/or characteristic facial features (PMID: 25561520, 20799337, 29178241); Published functional studies demonstrate a damaging effect on post synaptic function and an increase in dendritic spine density in the hippocampus (PMID: 33692361); In silico analysis supports that this missense variant has a deleterious effect on protein structure/function; This variant is associated with the following publications: (PMID: 37298158, 25561520, 29178241, 20799337, 38584598, 26819560, 32407434, 25416280, 38025260, 24658146, 32275741, 35091116, 29472612, 24813610, 32552710, 36293035, 34996816, 34828275, 35509069, 33692361)

Department of Pathology and Laboratory Medicine, Sinai Health System
Classification: Uncertain significance for Fragile X-associated tremor/ataxia syndrome; Fragile X syndrome; Premature ovarian failure 1. Last evaluated: 2022-08-15. Review status: criteria provided, single submitter. Criteria: ACMG Guidelines, 2015. Collection method: research. Allele origin: germline.

New York Genome Center
Classification: Uncertain significance for Fragile X syndrome. Last evaluated: 2021-10-01. Review status: criteria provided, single submitter. Criteria: NYGC Assertion Criteria 2020. Collection method: clinical testing. Allele origin: inherited. Observed: 1 heterozygote. Study: CSER-NYCKidSeq.

Literature cited by the submitters: PubMed 20799337 (cited by Mayo Clinic Laboratories, Mayo Clinic); PubMed 25561520 (cited by Mayo Clinic Laboratories, Mayo Clinic); PubMed 29178241 (cited by Mayo Clinic Laboratories, Mayo Clinic); PubMed 32275741 (cited by Mayo Clinic Laboratories, Mayo Clinic); PubMed 33692361 (cited by Mayo Clinic Laboratories, Mayo Clinic); PubMed 36293035 (cited by Mayo Clinic Laboratories, Mayo Clinic).

NM_002024.6(FMR1):c.413G>A (p.Arg138Gln)

Gene: FMR1 (fragile X messenger ribonucleoprotein 1; plus strand). Cytogenetic location: Xq27.3.
Variant type: single nucleotide variant.
Coding change: c.413G>A on transcript NM_002024.6 (MANE Select); coding-DNA position 413, G replaced by A.
Protein change: p.Arg138Gln; replaces arginine 138 with glutamine.
Molecular consequence: missense variant. On other transcripts: non-coding transcript variant (2).
Genome position (GRCh38, 1-based): chrX:147,928,801, G>A. VCF-style: chrX-147928801-G-A. GRCh37 (hg19) VCF-style: chrX-147010319-G-A.
Other names: p.Arg138Gln; c.413G>A, p.Arg138Gln (NM_001185075.2, NM_001185076.2, NM_001185081.2 and 1 more transcripts); c.413G>A (NM_002024.4); short protein forms R138Q.
Identifiers: ClinVar variation 1701686 (VCV001701686.5), dbSNP rs200163413, ClinGen allele CA10536150.